The following is an entry in ClinVar:

ClinVar aggregate classification (germline): Pathogenic (1 of 4 stars; one submission).

Submission:

Labcorp Genetics (formerly Invitae), Labcorp
Classification: Pathogenic. Last evaluated: 2022-10-03. Review status: criteria provided, single submitter. Criteria: Invitae Variant Classification Sherloc (09022015). Collection method: clinical testing. Allele origin: germline.
Comment: For these reasons, this variant has been classified as Pathogenic. A similar copy number variant has been observed in individual(s) with X-linked hypophosphatemia (Invitae). This variant is a gross deletion of the genomic region encompassing exon(s) 14 of the PHEX gene. This deletion is out-of-frame, and is expected to create a premature termination codon and result in an absent or disrupted protein product. Loss-of-function variants in PHEX are known to be pathogenic (PMID: 9097956, 9106524, 19219621).

Literature cited by the submitters: PubMed 9097956; PubMed 9106524; PubMed 19219621.

NC_000023.10:g.(?_22196370)_(22196513_?)del

Gene: PHEX (phosphate regulating endopeptidase X-linked; plus strand). Cytogenetic location: Xp22.11.
Variant type: Deletion.
Identifiers: ClinVar variation 1454972 (VCV001454972.5).